The following is an entry in ClinVar:

NM_001130009.3(GEN1):c.1756A>G (p.Ser586Gly)

Gene: GEN1 (GEN1 Holliday junction 5' flap endonuclease; plus strand). Cytogenetic location: 2p24.2.
Variant type: single nucleotide variant.
Coding change: c.1756A>G on transcript NM_001130009.3 (MANE Select); coding-DNA position 1756, A replaced by G.
Protein change: p.Ser586Gly; replaces serine 586 with glycine.
Molecular consequence: missense variant.
Genome position (GRCh38, 1-based): chr2:17,780,968, A>G. VCF-style: chr2-17780968-A-G. GRCh37 (hg19) VCF-style: chr2-17962235-A-G.
Other names: c.1756A>G, p.Ser586Gly (NM_182625.5); short protein forms S586G.
Identifiers: ClinVar variation 3853582 (VCV003853582.1).
Genomic context (GRCh38, chr2:17,780,968, plus strand): 5'-GAATCTAGTCAACCCAATACCTCATCTCATAATATATCCGTGATTGCTGATCTACACTTG[A>G]GCACTATTGACTGGGAAGGTACTTCTTTTAGTAATTCTCCAGCTATTCAAAGGAATACTT-3'
Protein context (NP_001123481.3, residues 576-596): NISVIADLHL[Ser586Gly]TIDWEGTSFS

ClinVar aggregate classification (germline): Uncertain significance (1 of 4 stars; one submission).

Submission:

Ambry Genetics
Classification: Uncertain significance. Last evaluated: 2025-02-21. Review status: criteria provided, single submitter. Criteria: Ambry Variant Classification Scheme 2023. Collection method: clinical testing. Allele origin: germline.
Comment: The p.S586G variant (also known as c.1756A>G), located in coding exon 13 of the GEN1 gene, results from an A to G substitution at nucleotide position 1756. The serine at codon 586 is replaced by glycine, an amino acid with similar properties. This amino acid position is conserved. In addition, this alteration is predicted to be tolerated by in silico analysis. Based on the available evidence, the clinical significance of this variant remains unclear.